The following is an entry in ClinVar:

ClinVar aggregate classification (germline): Uncertain significance. Review status: criteria provided, multiple submitters, no conflicts (2 of 4 stars). 2 submissions from 2 submitters: Uncertain significance (2). Last evaluated 2025-08-29.

Conditions:
Inborn genetic diseases. Identifiers: MedGen C0950123, MeSH D030342.
Autosomal dominant nocturnal frontal lobe epilepsy 5. Also called: CILIARY DYSKINESIA, PRIMARY, 28, WITHOUT SITUS INVERSUS; KCNT1-Related Epilepsy; CILIARY DYSKINESIA, PRIMARY, 28, WITH SITUS INVERSUS; Epilepsy, nocturnal frontal lobe, 5. Identifiers: Orphanet 98784, MedGen C3554306, MONDO:0014002, OMIM 615005.
Developmental and epileptic encephalopathy, 14 (DEE14). Also called: Early infantile epileptic encephalopathy 14. Identifiers: Orphanet 293181, MedGen C3554195, MONDO:0013989, OMIM 614959.

Allele frequency attached by ClinVar (database versions not stated): gnomAD exomes 0.00001; gnomAD 0.00002 and 0.00003; TOPMed 0.00003.
gnomAD v4.1: 24 of 1,613,352 alleles (0.0015%); highest among the groups gnomAD compares: Non-Finnish European, 0.0019%; no homozygotes.

Submissions (2):

Ambry Genetics
Classification: Uncertain significance for Inborn genetic diseases. Last evaluated: 2025-08-29. Review status: criteria provided, single submitter. Criteria: Ambry Variant Classification Scheme 2023. Collection method: clinical testing. Allele origin: germline.

Labcorp Genetics (formerly Invitae), Labcorp
Classification: Uncertain significance for Autosomal dominant nocturnal frontal lobe epilepsy 5; Developmental and epileptic encephalopathy, 14. Last evaluated: 2025-03-17. Review status: criteria provided, single submitter. Criteria: Invitae Variant Classification Sherloc (09022015). Collection method: clinical testing. Allele origin: germline.
Comment: This sequence change replaces alanine, which is neutral and non-polar, with valine, which is neutral and non-polar, at codon 368 of the KCNT1 protein (p.Ala368Val). This variant is present in population databases (no rsID available, gnomAD 0.003%). This variant has not been reported in the literature in individuals affected with KCNT1-related conditions. ClinVar contains an entry for this variant (Variation ID: 834844). Invitae Evidence Modeling of protein sequence and biophysical properties (such as structural, functional, and spatial information, amino acid conservation, physicochemical variation, residue mobility, and thermodynamic stability) indicates that this missense variant is expected to disrupt KCNT1 protein function with a positive predictive value of 80%. In summary, the available evidence is currently insufficient to determine the role of this variant in disease. Therefore, it has been classified as a Variant of Uncertain Significance.

NM_020822.3(KCNT1):c.1103C>T (p.Ala368Val)

Gene: KCNT1 (potassium sodium-activated channel subfamily T member 1; plus strand). Cytogenetic location: 9q34.3.
Variant type: single nucleotide variant.
Coding change: c.1103C>T on transcript NM_020822.3 (MANE Select); coding-DNA position 1103, C replaced by T.
Protein change: p.Ala368Val; replaces alanine 368 with valine.
Molecular consequence: missense variant.
Genome position (GRCh38, 1-based): chr9:135,765,098, C>T. VCF-style: chr9-135765098-C-T. GRCh37 (hg19) VCF-style: chr9-138656944-C-T.
Other names: c.968C>T, p.Ala323Val (NM_001272003.2); short protein forms A323V, A368V.
Identifiers: ClinVar variation 834844 (VCV000834844.10), dbSNP rs928555901, ClinGen allele CA201465160.